The following is an entry in ClinVar:

ClinVar aggregate classification (germline): Uncertain significance (1 of 4 stars; one submission).

Allele frequency attached by ClinVar (database versions not stated): gnomAD 0.00002; gnomAD exomes 0.00003 and 0.00015; ExAC 0.00012; TOPMed 0.00022.
gnomAD v4.1: 48 of 1,613,898 alleles (0.003%); highest among the groups gnomAD compares: Admixed American, 0.057%; no homozygotes.

Submission:

Labcorp Genetics (formerly Invitae), Labcorp
Classification: Uncertain significance. Last evaluated: 2025-10-20. Review status: criteria provided, single submitter. Criteria: Invitae Variant Classification Sherloc (09022015). Collection method: clinical testing. Allele origin: germline.
Comment: This sequence change falls in intron 74 of the HMCN1 gene. It does not directly change the encoded amino acid sequence of the HMCN1 protein. It affects a nucleotide within the consensus splice site. This variant is present in population databases (rs771393516, gnomAD 0.07%), and has an allele count higher than expected for a pathogenic variant. This variant has not been reported in the literature in individuals affected with HMCN1-related conditions. ClinVar contains an entry for this variant (Variation ID: 1419426). Variants that disrupt the consensus splice site are a relatively common cause of aberrant splicing (PMID: 17576681, 9536098). Algorithms developed to predict the effect of sequence changes on RNA splicing suggest that this variant is not likely to affect RNA splicing. In summary, the available evidence is currently insufficient to determine the role of this variant in disease. Therefore, it has been classified as a Variant of Uncertain Significance.

Literature cited by the submitters: PubMed 17576681; PubMed 9536098.

NM_031935.3(HMCN1):c.11405-3T>C

Gene: HMCN1 (hemicentin 1; plus strand). Cytogenetic location: 1q31.1.
Variant type: single nucleotide variant.
Coding change: c.11405-3T>C on transcript NM_031935.3 (MANE Select); 3 bases into the intron before coding-DNA position 11405, T replaced by C.
Molecular consequence: intron variant.
Genome position (GRCh38, 1-based): chr1:186,115,255, T>C. VCF-style: chr1-186115255-T-C. GRCh37 (hg19) VCF-style: chr1-186084387-T-C.
Identifiers: ClinVar variation 1419426 (VCV001419426.6), dbSNP rs771393516, ClinGen allele CA1294043.